The following is an entry in ClinVar:

NM_001111.5(ADAR):c.1682C>T (p.Ala561Val)

Gene: ADAR (adenosine deaminase RNA specific; minus strand). Cytogenetic location: 1q21.3.
Variant type: single nucleotide variant.
Coding change: c.1682C>T on transcript NM_001111.5 (MANE Select); coding-DNA position 1682, C replaced by T.
Protein change: p.Ala561Val; replaces alanine 561 with valine.
Molecular consequence: missense variant.
Genome position (GRCh38, 1-based): chr1:154,598,505, G>A on the plus strand (C>T on the coding strand, the complement: ADAR is on the minus strand). VCF-style: chr1-154598505-G-A. GRCh37 (hg19) VCF-style: chr1-154570981-G-A.
Other names: c.797C>T, p.Ala266Val (NM_001025107.3, NM_001193495.2, NM_001365046.1 and 3 more transcripts); c.1709C>T, p.Ala570Val (NM_001365045.1); c.1682C>T, p.Ala561Val (NM_015840.4, NM_015841.4); short protein forms A266V, A570V, A561V.
Identifiers: ClinVar variation 4783520 (VCV004783520.1).
Genomic context (GRCh38, chr1:154,598,505, plus strand): 5'-GATTTTCCACTGTCCTTGGCTTTGGCTTCCTCTAGCAGAATTGTCATGGCTTTCATAGCT[G>A]CATCCTGCTTGGCCACTTTCTTGCTTCCAGCTTCAGCTGGGGGAAACTCTCGGCCATTGA-3'
Protein context (NP_001102.3, residues 551-571): AGSKKVAKQD[Ala561Val]AMKAMTILLE

ClinVar aggregate classification (germline): Uncertain significance (1 of 4 stars; one submission).

Conditions:
Aicardi-Goutieres syndrome 6 (AGS6). Identifiers: Orphanet 51, MedGen C3539013, MONDO:0014007, OMIM 615010.
Symmetrical dyschromatosis of extremities (DSH). Also called: Dyschromatosis symmetrica hereditaria; DYSCHROMATOSIS SYMMETRICA HEREDITARIA 1; RETICULATE ACROPIGMENTATION OF DOHI; SYMMETRIC DYSCHROMATOSIS OF THE EXTREMITIES. Identifiers: Orphanet 41, MedGen C0406775, MONDO:0007483, OMIM 127400.

Submission:

Labcorp Genetics (formerly Invitae), Labcorp
Classification: Uncertain significance for Aicardi-Goutieres syndrome 6; Symmetrical dyschromatosis of extremities. Last evaluated: 2025-10-03. Review status: criteria provided, single submitter. Criteria: Invitae Variant Classification Sherloc (09022015). Collection method: clinical testing. Allele origin: germline.
Comment: This sequence change replaces alanine, which is neutral and non-polar, with valine, which is neutral and non-polar, at codon 561 of the ADAR protein (p.Ala561Val). This variant is not present in population databases (gnomAD no frequency). This missense change has been observed in individual(s) with clinical features of dyschromatosis symmetrica hereditaria (PMID: 22336994). Invitae Evidence Modeling of protein sequence and biophysical properties (such as structural, functional, and spatial information, amino acid conservation, physicochemical variation, residue mobility, and thermodynamic stability) has been performed for this missense variant. However, the output from this modeling did not meet the statistical confidence thresholds required to predict the impact of this variant on ADAR protein function. In summary, the available evidence is currently insufficient to determine the role of this variant in disease. Therefore, it has been classified as a Variant of Uncertain Significance.

Literature cited by the submitters: PubMed 22336994.